The following is an entry in ClinVar:

ClinVar aggregate classification (germline): Uncertain significance (1 of 4 stars; one submission).

Submission:

Labcorp Genetics (formerly Invitae), Labcorp
Classification: Uncertain significance. Last evaluated: 2025-04-05. Review status: criteria provided, single submitter. Criteria: Invitae Variant Classification Sherloc (09022015). Collection method: clinical testing. Allele origin: germline.
Comment: This sequence change replaces glutamic acid, which is acidic and polar, with lysine, which is basic and polar, at codon 857 of the DRP2 protein (p.Glu857Lys). This variant is not present in population databases (gnomAD no frequency). This variant has not been reported in the literature in individuals affected with DRP2-related conditions. Invitae Evidence Modeling of protein sequence and biophysical properties (such as structural, functional, and spatial information, amino acid conservation, physicochemical variation, residue mobility, and thermodynamic stability) has been performed for this missense variant. However, the output from this modeling did not meet the statistical confidence thresholds required to predict the impact of this variant on DRP2 protein function. In summary, the available evidence is currently insufficient to determine the role of this variant in disease. Therefore, it has been classified as a Variant of Uncertain Significance.

NM_001939.3(DRP2):c.2569G>A (p.Glu857Lys)

Gene: DRP2 (dystrophin related protein 2; plus strand). Cytogenetic location: Xq22.1.
Variant type: single nucleotide variant.
Coding change: c.2569G>A on transcript NM_001939.3 (MANE Select); coding-DNA position 2569, G replaced by A.
Protein change: p.Glu857Lys; replaces glutamic acid 857 with lysine.
Molecular consequence: missense variant.
Genome position (GRCh38, 1-based): chrX:101,258,487, G>A. VCF-style: chrX-101258487-G-A. GRCh37 (hg19) VCF-style: chrX-100513476-G-A.
Other names: c.2335G>A, p.Glu779Lys (NM_001171184.2); short protein forms E857K, E779K.
Identifiers: ClinVar variation 4743664 (VCV004743664.1).
Genomic context (GRCh38, chrX:101,258,487, plus strand): 5'-GCCGAGGCCCGTATCCTTCGGCAACATAAGAGCCGCCTGGAGACGCGCATGCAGATCCTC[G>A]AAGATCACAACAAGCAGCTAGAGTCCCAGCTGCAGCGTCTGAGGGAGCTTCTCCTGCAGG-3'
Protein context (NP_001930.2, residues 847-867): SRLETRMQIL[Glu857Lys]DHNKQLESQL